The following is an entry in ClinVar:

NM_015450.3(POT1):c.1732G>A (p.Asp578Asn)

Gene: POT1 (protection of telomeres 1; minus strand). Cytogenetic location: 7q31.33.
Variant type: single nucleotide variant.
Coding change: c.1732G>A on transcript NM_015450.3 (MANE Select); coding-DNA position 1732, G replaced by A.
Protein change: p.Asp578Asn; replaces aspartic acid 578 with asparagine.
Molecular consequence: missense variant. On other transcripts: non-coding transcript variant (3).
Genome position (GRCh38, 1-based): chr7:124,825,312, C>T on the plus strand (G>A on the coding strand, the complement: POT1 is on the minus strand). VCF-style: chr7-124825312-C-T. GRCh37 (hg19) VCF-style: chr7-124465366-C-T.
Other names: c.1732G>A (NM_015450.2); c.1339G>A, p.Asp447Asn (NM_001042594.2); short protein forms D447N, D578N.
Identifiers: ClinVar variation 1059546 (VCV001059546.10), dbSNP rs886921453, ClinGen allele CA166093017.
Genomic context (GRCh38, chr7:124,825,312, plus strand): 5'-CAATTTTTATTCCTGGAGGACAAAACATATCCATGATCATATCCACACTTTTCTGAAGGT[C>T]ATCATCCATCAGAACTTCTGATGCTGGAATCTGGAAGAATTTGTCCTTAAAAATGTTTCA-3'
Protein context (NP_056265.2, residues 568-588): IPASEVLMDD[Asp578Asn]LQKSVDMIMD

ClinVar aggregate classification (germline): Uncertain significance. Review status: criteria provided, multiple submitters, no conflicts (2 of 4 stars). 2 submissions from 2 submitters: Uncertain significance (2). Last evaluated 2023-10-04.

Conditions:
Tumor predisposition syndrome 3 (TPDS3). Also called: Melanoma, cutaneous malignant, susceptibility to, 10; Glioma susceptibility 9; LONG TELOMERE SYNDROME, POT1-RELATED; POT1 Tumor Predisposition. Identifiers: Orphanet 618, MedGen C4014476, MONDO:0014368, OMIM 615848.

Submissions (2):

GeneDx
Classification: Uncertain significance. Last evaluated: 2023-10-04. Review status: criteria provided, single submitter. Criteria: GeneDx Variant Classification Process June 2021. Collection method: clinical testing. Allele origin: germline. Affected: yes.
Comment: Not observed at significant frequency in large population cohorts (gnomAD); In silico analysis supports that this missense variant does not alter protein structure/function; Has not been previously published as pathogenic or benign to our knowledge; This variant is associated with the following publications: (PMID: 28393830)

Labcorp Genetics (formerly Invitae), Labcorp
Classification: Uncertain significance for Tumor predisposition syndrome 3. Last evaluated: 2020-09-07. Review status: criteria provided, single submitter. Criteria: Invitae Variant Classification Sherloc (09022015). Collection method: clinical testing. Allele origin: germline.
Comment: In summary, the available evidence is currently insufficient to determine the role of this variant in disease. Therefore, it has been classified as a Variant of Uncertain Significance. Algorithms developed to predict the effect of missense changes on protein structure and function output the following: SIFT: "Tolerated"; PolyPhen-2: "Benign"; Align-GVGD: "Class C0". The asparagine amino acid residue is found in multiple mammalian species, suggesting that this missense change does not adversely affect protein function. These predictions have not been confirmed by published functional studies and their clinical significance is uncertain. This variant has not been reported in the literature in individuals with POT1-related conditions. This variant is not present in population databases (ExAC no frequency). This sequence change replaces aspartic acid with asparagine at codon 578 of the POT1 protein (p.Asp578Asn). The aspartic acid residue is moderately conserved and there is a small physicochemical difference between aspartic acid and asparagine.